The following is an entry in ClinVar:

ClinVar aggregate classification (germline): Uncertain significance (1 of 4 stars; one submission).

Conditions:
Inborn genetic diseases. Identifiers: MedGen C0950123, MeSH D030342.

Allele frequency attached by ClinVar (database versions not stated): gnomAD 0.00001.
gnomAD v4.1: 1 of 1,576,410 alleles (0.000063%); highest among the groups gnomAD compares: African/African-American, 0.0014%; no homozygotes.

Submission:

Ambry Genetics
Classification: Uncertain significance for Inborn genetic diseases. Last evaluated: 2021-12-30. Review status: criteria provided, single submitter. Criteria: Ambry Variant Classification Scheme 2023. Collection method: clinical testing. Allele origin: germline.
Comment: The p.D346E variant (also known as c.1038C>G), located in coding exon 9 of the ACD gene, results from a C to G substitution at nucleotide position 1038. The aspartic acid at codon 346 is replaced by glutamic acid, an amino acid with highly similar properties. This amino acid position is conserved. In addition, this alteration is predicted to be tolerated by in silico analysis. Since supporting evidence is limited at this time, the clinical significance of this alteration remains unclear.

NM_001082486.2(ACD):c.780C>G (p.Asp260Glu)

Gene: ACD (ACD shelterin complex subunit and telomerase recruitment factor; minus strand). Cytogenetic location: 16q22.1.
Variant type: single nucleotide variant.
Coding change: c.780C>G on transcript NM_001082486.2 (MANE Select); coding-DNA position 780, C replaced by G.
Protein change: p.Asp260Glu; replaces aspartic acid 260 with glutamic acid.
Molecular consequence: missense variant.
Genome position (GRCh38, 1-based): chr16:67,658,604, G>C on the plus strand (C>G on the coding strand, the complement: ACD is on the minus strand). VCF-style: chr16-67658604-G-C. GRCh37 (hg19) VCF-style: chr16-67692507-G-C.
Other names: c.771C>G, p.Asp257Glu (NM_022914.3); short protein forms D260E, D257E.
Identifiers: ClinVar variation 1773135 (VCV001773135.2), dbSNP rs1254941141, ClinGen allele CA396353257.